The following is an entry in ClinVar:

NM_000235.4(LIPA):c.656_657insGGCCGGGCGCGGTGGCTCACGCCTGTAATCCCAGCACTTTGGGAGTAAGGAGACAGTGCCTCTGGCAGGTATNNNNNNNNNNAAAAAAAAAAAAAAAAAAAAAAATTAGGACGATT (p.Leu219_Pro220insAlaGlyArgGlyGlySerArgLeuTer)

Gene: LIPA (lipase A, lysosomal acid type; minus strand). Cytogenetic location: 10q23.31.
Variant type: Insertion.
Coding change: c.656_657insGGCCGGGCGCGGTGGCTCACGCCTGTAATCCCAGCACTTTGGGAGTAAGGAGACAGTGCCTCTGGCAGGTATNNNNNNNNNNAAAAAAAAAAAAAAAAAAAAAAATTAGGACGATT on transcript NM_000235.4 (MANE Select); coding-DNA positions 656 to 657, GGCCGGGCGCGGTGGCTCACGCCTGTAATCCCAGCACTTTGGGAGTAAGGAGACAGTGCCTCTGGCAGGTATNNNNNNNNNNAAAAAAAAAAAAAAAAAAAAAAATTAGGACGATT inserted.
Protein change: p.Leu219_Pro220insAlaGlyArgGlyGlySerArgLeuTer.
Molecular consequence: nonsense.
Genome position: GRCh38: chr10:89,225,124-89,225,125. GRCh37 (hg19): chr10:90,984,881-90,984,882.
Other names: c.656_657insGGCCGGGCGCGGTGGCTCACGCCTGTAATCCCAGCACTTTGGGAGTAAGGAGACAGTGCCTCTGGCAGGTATNNNNNNNNNNAAAAAAAAAAAAAAAAAAAAAAATTAGGACGATT, p.Leu219_Pro220insAlaGlyArgGlyGlySerArgLeuTer (NM_001127605.3); c.308_309insGGCCGGGCGCGGTGGCTCACGCCTGTAATCCCAGCACTTTGGGAGTAAGGAGACAGTGCCTCTGGCAGGTATNNNNNNNNNNAAAAAAAAAAAAAAAAAAAAAAATTAGGACGATT, p.Leu103_Pro104insAlaGlyArgGlyGlySerArgLeuTer (NM_001288979.2).
Identifiers: ClinVar variation 3647839 (VCV003647839.2).

ClinVar aggregate classification (germline): Pathogenic (1 of 4 stars; one submission).

Conditions:
Wolman disease (WOLD). Also called: Acid cholesteryl ester hydrolase deficiency, Wolman type; Acid lipase disease; Wolman disease, CESD; Wolman disease with hypolipoproteinemia and acanthocytosis; LYSOSOMAL ACID LIPASE DEFICIENCY, ACUTE INFANTILE; LYSOSOMAL ACID LIPASE DEFICIENCY, COMPLETE. Identifiers: Orphanet 75233, MedGen C0043208, MONDO:0019148, OMIM 620151.

Submission:

Labcorp Genetics (formerly Invitae), Labcorp
Classification: Pathogenic for Wolman disease. Last evaluated: 2024-03-27. Review status: criteria provided, single submitter. Criteria: Invitae Variant Classification Sherloc (09022015). Collection method: clinical testing. Allele origin: germline.
Comment: This sequence change inserts a large fragment of DNA, likely a transposable element, in exon 6 of the LIPA gene (c.656_657ins?), causing a frameshift at codon 219 (p.Leu219fs). The exact size and sequence of the insertion cannot be determined by the current assay. However, the insertion is expected to result in an absent or disrupted protein product. This variant is not present in population databases (gnomAD no frequency). This variant has not been reported in the literature in individuals affected with LIPA-related conditions. Retrotransposon insertions including LINE1 (L1), Alu, and SVA (SINE-VNTR-Alu) have been reported to be disease-causing through disruption of either a coding region or splice site (PMID: 19763152, 20307669, 22406018) and loss-of-function variants in LIPA are known to be pathogenic (PMID: 23485521). For these reasons, this variant has been classified as Pathogenic.

Literature cited by the submitters: PubMed 19763152; PubMed 20307669; PubMed 22406018; PubMed 23485521.